The following is an entry in ClinVar:

NM_145068.4(TRPV3):c.*1533A>C

Genes: SPATA22 (spermatogenesis associated 22; minus strand), TRPV3 (transient receptor potential cation channel subfamily V member 3; minus strand). Cytogenetic location: 17p13.2.
Variant type: single nucleotide variant.
Coding change: c.*1533A>C on transcript NM_145068.4 (MANE Select); 1533 bases downstream of the stop codon, A replaced by C.
Molecular consequence: 3 prime UTR variant. On other transcripts: intron variant (2).
Genome position (GRCh38, 1-based): chr17:3,512,384, T>G on the plus strand (A>C on the coding strand, the complement: TRPV3 is on the minus strand). VCF-style: chr17-3512384-T-G. GRCh37 (hg19) VCF-style: chr17-3415678-T-G.
Other names: c.*1533A>C (NM_001258205.2); c.-74+1028A>C (NM_001321336.2, NM_001321337.2).
Identifiers: ClinVar variation 322720 (VCV000322720.8), dbSNP rs1507614, ClinGen allele CA10649889.

ClinVar aggregate classification (germline): Benign. Review status: criteria provided, multiple submitters, no conflicts (2 of 4 stars). 2 submissions from 2 submitters: Benign (2). Last evaluated 2018-01-13.

Conditions:
Isolated focal non-epidermolytic palmoplantar keratoderma. Also called: Palmoplantar keratoderma, nonepidermolytic, focal 2. Identifiers: Orphanet 448264, MedGen C4225339, MONDO:0014622, OMIM 616400.

Allele frequency attached by ClinVar (database versions not stated): gnomAD 0.32876 and 0.34545; gnomAD exomes 0.38095; 1000 Genomes Project 30x 0.43082; TOPMed 0.33879; 1000 Genomes Project 0.43411.
gnomAD v4.1: 52,463 of 152,020 alleles (35%); highest among the groups gnomAD compares: East Asian, 64%; 10,725 homozygotes.

Submissions (2):

Illumina Laboratory Services, Illumina
Classification: Benign for Isolated focal non-epidermolytic palmoplantar keratoderma. Last evaluated: 2018-01-13. Review status: criteria provided, single submitter. Criteria: ICSL Variant Classification Criteria 13 December 2019. Collection method: clinical testing. Allele origin: germline.
Comment: This variant was observed in the ICSL laboratory as part of a predisposition screen in an ostensibly healthy population. It had not been previously curated by ICSL or reported in the Human Gene Mutation Database (HGMD: prior to June 1st, 2018), and was therefore a candidate for classification through an automated scoring system. Utilizing variant allele frequency, disease prevalence and penetrance estimates, and inheritance mode, an automated score was calculated to assess if this variant is too frequent to cause the disease. Based on the score and internal cut-off values, a variant classified as benign is not then subjected to further curation. The score for this variant resulted in a classification of benign for this disease.

Breakthrough Genomics
Classification: Benign. Review status: criteria provided, single submitter. Criteria: ACMG Guidelines, 2015. Collection method: not provided. Allele origin: germline. Inheritance: Autosomal dominant inheritance. Affected: yes.